The following is an entry in ClinVar:

ClinVar aggregate classification (germline): Likely benign (1 of 4 stars; one submission).

Submission:

CeGaT Center for Human Genetics Tuebingen
Classification: Likely benign. Last evaluated: 2025-07-01. Review status: criteria provided, single submitter. Criteria: CeGaT Center For Human Genetics Tuebingen Variant Classification Criteria Version 2. Collection method: clinical testing. Allele origin: germline. Affected: yes. Observed: 1 variant allele.
Comment: USP17L2: BP4, BP7

NM_201402.3(USP17L2):c.420T>C (p.Gly140=)

Genes: FAM66D (family with sequence similarity 66 member D), USP17L2 (ubiquitin specific peptidase 17 like family member 2; minus strand). Cytogenetic location: 8p23.1.
Variant type: single nucleotide variant.
Coding change: c.420T>C on transcript NM_201402.3 (MANE Select); coding-DNA position 420, T replaced by C.
Protein change: p.Gly140=; no amino-acid change (glycine 140 retained).
Molecular consequence: synonymous variant.
Genome position (GRCh38, 1-based): chr8:12,138,341, A>G on the plus strand (T>C on the coding strand, the complement: USP17L2 is on the minus strand). VCF-style: chr8-12138341-A-G. GRCh37 (hg19) VCF-style: chr8-11995850-A-G.
Identifiers: ClinVar variation 4084063 (VCV004084063.8).